The following is an entry in ClinVar:

NM_144670.6(A2ML1):c.462G>A (p.Lys154=)

Genes: A2ML1 (alpha-2-macroglobulin like 1; plus strand), A2ML1-AS1 (A2ML1 antisense RNA 1; minus strand). Cytogenetic location: 12p13.31.
Variant type: single nucleotide variant.
Coding change: c.462G>A on transcript NM_144670.6 (MANE Select); coding-DNA position 462, G replaced by A.
Protein change: p.Lys154=; no amino-acid change (lysine 154 retained).
Molecular consequence: synonymous variant.
Genome position (GRCh38, 1-based): chr12:8,829,779, G>A. VCF-style: chr12-8829779-G-A. GRCh37 (hg19) VCF-style: chr12-8982375-G-A.
Identifiers: ClinVar variation 665924 (VCV000665924.7), dbSNP rs762811758, ClinGen allele CA6435280.

ClinVar aggregate classification (germline): Uncertain significance (1 of 4 stars; one submission).

Allele frequency attached by ClinVar (database versions not stated): gnomAD exomes below 0.00001 and 0.00001; TOPMed 0.00001; ExAC 0.00002; gnomAD 0.00003.
gnomAD v4.1: 2 of 1,613,970 alleles (0.00012%); highest among the groups gnomAD compares: East Asian, 0.0045%; no homozygotes.

Submission:

Labcorp Genetics (formerly Invitae), Labcorp
Classification: Uncertain significance. Last evaluated: 2024-04-06. Review status: criteria provided, single submitter. Criteria: Invitae Variant Classification Sherloc (09022015). Collection method: clinical testing. Allele origin: germline.
Comment: This sequence change affects codon 154 of the A2ML1 mRNA. It is a 'silent' change, meaning that it does not change the encoded amino acid sequence of the A2ML1 protein. This variant also falls at the last nucleotide of exon 4, which is part of the consensus splice site for this exon. This variant is present in population databases (rs762811758, gnomAD 0.02%). This variant has not been reported in the literature in individuals affected with A2ML1-related conditions. ClinVar contains an entry for this variant (Variation ID: 665924). Variants that disrupt the consensus splice site are a relatively common cause of aberrant splicing (PMID: 17576681, 9536098). Algorithms developed to predict the effect of sequence changes on RNA splicing suggest that this variant is not likely to affect RNA splicing. In summary, the available evidence is currently insufficient to determine the role of this variant in disease. Therefore, it has been classified as a Variant of Uncertain Significance.

Literature cited by the submitters: PubMed 17576681; PubMed 9536098.